The following is an entry in ClinVar:

ClinVar aggregate classification (germline): Benign. Review status: criteria provided, multiple submitters, no conflicts (2 of 4 stars). 3 submissions from 3 submitters: Benign (3). Last evaluated 2015-03-03.

Conditions:
Hereditary angioedema type 1 (HAE1). Identifiers: Orphanet 100050, Orphanet 100051, Orphanet 91378, MedGen C2717906, MONDO:0015053, OMIM 106100.

Allele frequency attached by ClinVar (database versions not stated): 1000 Genomes Project 0.08506; 1000 Genomes Project 30x 0.08588; TOPMed 0.11950; gnomAD 0.12293 and 0.12487; gnomAD exomes 0.15361.
gnomAD v4.1: 170,811 of 1,148,294 alleles (15%); highest among the groups gnomAD compares: Non-Finnish European, 17%; 13,996 homozygotes.

Submissions (3):

GeneDx
Classification: Benign. Last evaluated: 2015-03-03. Review status: criteria provided, single submitter. Criteria: GeneDx Variant Classification Process June 2021. Collection method: clinical testing. Allele origin: germline. Affected: yes.

Breakthrough Genomics
Classification: Benign. Review status: criteria provided, single submitter. Criteria: ACMG Guidelines, 2015. Collection method: not provided. Allele origin: germline. Inheritance: Autosomal recessive inheritance. Affected: yes.

CeMIA
Classification: Benign for Hereditary angioedema type 1. Review status: criteria provided, single submitter. Criteria: ACMG Guidelines, 2015. Collection method: clinical testing. Allele origin: germline. Affected: yes.
Comment: This variant is considered likely benign or benign based on one or more of the following criteria: allele frequency is >5% in Exome Sequencing Project, 1000 Genomes Project, or Exome Aggregation Consortium (BA1), allele frequency is greater than expected for disorder (BS1), it is observed in a healthy adult individual (BS2), it is predicted to be benign by multiple in silico algorithms (BP4), it is found in a case with an alternate molecular basis for the disease (BP5) and/or reputable source recently reports variant as benign (BP6).

Literature cited by the submitters: PubMed 31959500 (cited by CeMIA).

NM_000062.3(SERPING1):c.51+101G>A

Gene: SERPING1 (serpin family G member 1; plus strand). Cytogenetic location: 11q12.1.
Variant type: single nucleotide variant.
Coding change: c.51+101G>A on transcript NM_000062.3 (MANE Select); 101 bases into the intron after coding-DNA position 51, G replaced by A.
Molecular consequence: intron variant.
Genome position (GRCh38, 1-based): chr11:57,598,422, G>A. VCF-style: chr11-57598422-G-A. GRCh37 (hg19) VCF-style: chr11-57365895-G-A.
Other names: c.51+101G>A (NM_001032295.2).
Identifiers: ClinVar variation 983229 (VCV000983229.5), dbSNP rs28362945, ClinGen allele CA223053572.